The following is an entry in ClinVar:

NM_001122681.2(SH3BP2):c.*634C>A

Gene: SH3BP2 (SH3 domain binding protein 2; plus strand). Cytogenetic location: 4p16.3.
Variant type: single nucleotide variant.
Coding change: c.*634C>A on transcript NM_001122681.2 (MANE Select); 634 bases downstream of the stop codon, C replaced by A.
Molecular consequence: 3 prime UTR variant.
Genome position (GRCh38, 1-based): chr4:2,834,468, C>A. VCF-style: chr4-2834468-C-A. GRCh37 (hg19) VCF-style: chr4-2836195-C-A.
Other names: c.*634C>A (LRG_1334t1, LRG_1334t2, NM_001145855.2 and 2 more transcripts).
Identifiers: ClinVar variation 348604 (VCV000348604.6), dbSNP rs73189445, ClinGen allele CA10620888.

ClinVar aggregate classification (germline): Benign. Review status: criteria provided, multiple submitters, no conflicts (2 of 4 stars). 2 submissions from 2 submitters: Benign (2). Last evaluated 2018-01-12.

Conditions:
Fibrous dysplasia of jaw (CRBM). Also called: Cherubism. Identifiers: Orphanet 184, MedGen C0008029, MONDO:0007315, OMIM 118400.

Allele frequency attached by ClinVar (database versions not stated): gnomAD 0.25716 and 0.26653; TOPMed 0.27119; gnomAD exomes 0.28889; 1000 Genomes Project 30x 0.29794; 1000 Genomes Project 0.30152.
gnomAD v4.1: 40,818 of 152,610 alleles (27%); highest among the groups gnomAD compares: East Asian, 44%; 6,150 homozygotes.

Submissions (2):

Illumina Laboratory Services, Illumina
Classification: Benign for Fibrous dysplasia of jaw. Last evaluated: 2018-01-12. Review status: criteria provided, single submitter. Criteria: ICSL Variant Classification Criteria 13 December 2019. Collection method: clinical testing. Allele origin: germline.
Comment: This variant was observed in the ICSL laboratory as part of a predisposition screen in an ostensibly healthy population. It had not been previously curated by ICSL or reported in the Human Gene Mutation Database (HGMD: prior to June 1st, 2018), and was therefore a candidate for classification through an automated scoring system. Utilizing variant allele frequency, disease prevalence and penetrance estimates, and inheritance mode, an automated score was calculated to assess if this variant is too frequent to cause the disease. Based on the score and internal cut-off values, a variant classified as benign is not then subjected to further curation. The score for this variant resulted in a classification of benign for this disease.

Breakthrough Genomics
Classification: Benign. Review status: criteria provided, single submitter. Criteria: ACMG Guidelines, 2015. Collection method: not provided. Allele origin: germline. Inheritance: Autosomal dominant inheritance. Affected: yes.